The following is an entry in ClinVar:

NC_000001.10:g.(?_15764955)_(15773090_?)del

Gene: CTRC (chymotrypsin C; plus strand). Cytogenetic location: 1p36.21.
Variant type: Deletion.
Identifiers: ClinVar variation 528777 (VCV000528777.1).

ClinVar aggregate classification (germline): Pathogenic (1 of 4 stars; one submission).

Conditions:
Hereditary pancreatitis (PCTT). Also called: Hereditary chronic pancreatitis; PRSS1-Related Hereditary Pancreatitis. Identifiers: Orphanet 676, MedGen C0238339, MONDO:0008185, OMIM 167800.

Submission:

Labcorp Genetics (formerly Invitae), Labcorp
Classification: Pathogenic for Hereditary pancreatitis. Last evaluated: 2017-12-04. Review status: criteria provided, single submitter. Criteria: Invitae Variant Classification Sherloc (09022015). Collection method: clinical testing. Allele origin: germline.
Comment: A gross deletion of the genomic region encompassing the full coding sequence of the CTRC gene has been identified. The boundaries of this event are unknown as the deletion extends beyond the assayed region for this gene and therefore may encompass additional genes. A heterozygous deletion including CTRC and several other genes was observed in a family affected with chronic pancreatitis. In addition, another homozygous deletion encompassing CTRC and neighboring genes was observed in an individual with portal hypertension, exocrine pancreatic insufficiency, and indolent pancreatic cysts and calcificationsÂ¬â€  (PMID: 23721890). Loss-of-function variants in CTRC are known to be pathogenic (PMID: 22942235). For these reasons, this variant has been classified as Pathogenic.

Literature cited by the submitters: PubMed 23721890.